The following is an entry in ClinVar:

ClinVar aggregate classification (germline): Likely benign. Review status: criteria provided, multiple submitters, no conflicts (2 of 4 stars). 2 submissions from 2 submitters: Likely benign (2). Last evaluated 2026-01-09.

Conditions:
CHST6-related disorder. Also called: CHST6-related condition.
Macular corneal dystrophy (MCD). Also called: GROENOUW TYPE II CORNEAL DYSTROPHY; Macular corneal dystrophy Type I. Identifiers: Orphanet 98969, MedGen C1636149, MONDO:0009020, OMIM 217800.

Submissions (2):

Labcorp Genetics (formerly Invitae), Labcorp
Classification: Likely benign for Macular corneal dystrophy. Last evaluated: 2026-01-09. Review status: criteria provided, single submitter. Criteria: Invitae Variant Classification Sherloc (09022015). Collection method: clinical testing. Allele origin: germline.

PreventionGenetics, part of Exact Sciences
Classification: Likely benign for CHST6-related condition. Last evaluated: 2025-12-10. Review status: criteria provided, single submitter. Criteria: ACMG Guidelines, 2015. Collection method: clinical testing. Allele origin: germline.
Comment: This variant is classified as likely benign based on ACMG/AMP sequence variant interpretation guidelines (Richards et al. 2015 PMID: 25741868, with internal and published modifications).

NM_021615.5(CHST6):c.1056G>A (p.Ala352=)

Gene: CHST6 (carbohydrate sulfotransferase 6; minus strand). Cytogenetic location: 16q23.1.
Variant type: single nucleotide variant.
Coding change: c.1056G>A on transcript NM_021615.5 (MANE Select); coding-DNA position 1056, G replaced by A.
Protein change: p.Ala352=; no amino-acid change (alanine 352 retained).
Molecular consequence: synonymous variant.
Genome position (GRCh38, 1-based): chr16:75,478,773, C>T on the plus strand (G>A on the coding strand, the complement: CHST6 is on the minus strand). VCF-style: chr16-75478773-C-T. GRCh37 (hg19) VCF-style: chr16-75512671-C-T.
Other names: c.1056G>A (NM_021615.4).
Identifiers: ClinVar variation 4740156 (VCV004740156.2).